The following is an entry in ClinVar:

NM_016180.5(SLC45A2):c.1456G>A (p.Ala486Thr)

Gene: SLC45A2 (solute carrier family 45 member 2; minus strand). Cytogenetic location: 5p13.2.
Variant type: single nucleotide variant.
Coding change: c.1456G>A on transcript NM_016180.5 (MANE Select); coding-DNA position 1456, G replaced by A.
Protein change: p.Ala486Thr; replaces alanine 486 with threonine.
Molecular consequence: missense variant.
Genome position (GRCh38, 1-based): chr5:33,944,785, C>T on the plus strand (G>A on the coding strand, the complement: SLC45A2 is on the minus strand). VCF-style: chr5-33944785-C-T. GRCh37 (hg19) VCF-style: chr5-33944890-C-T.
Other names: c.1456G>A (NM_016180.4); short protein forms A486T.
Identifiers: ClinVar variation 3336588 (VCV003336588.5).

ClinVar aggregate classification (germline): Pathogenic/Likely pathogenic. Review status: criteria provided, multiple submitters, no conflicts (2 of 4 stars). 4 submissions from 4 submitters: Pathogenic (2); Likely pathogenic (1). 1 of the submissions does not count toward it. Last evaluated 2024-05-24.

Conditions:
SLC45A2-related disorder. Also called: SLC45A2-related condition.
Oculocutaneous albinism type 4 (OCA4). Also called: Albinism, oculocutaneous, type IV. Identifiers: Orphanet 79435, MedGen C1847836, MONDO:0011683, OMIM 606574.
SKIN/HAIR/EYE PIGMENTATION 5, BLACK/NONBLACK HAIR (SHEP5). Also called: SKIN/HAIR/EYE PIGMENTATION, VARIATION IN, 5; SKIN/HAIR/EYE PIGMENTATION 5, DARK/FAIR SKIN; SKIN/HAIR/EYE PIGMENTATION 5, DARK/LIGHT EYES. Identifiers: MedGen C2673584, OMIM 227240.

Submissions (4):

Fulgent Genetics
Classification: Pathogenic for SKIN/HAIR/EYE PIGMENTATION 5, BLACK/NONBLACK HAIR; Oculocutaneous albinism type 4. Last evaluated: 2024-05-24. Review status: criteria provided, single submitter. Criteria: ACMG Guidelines, 2015. Collection method: clinical testing. Allele origin: germline.

Women's Health and Genetics/Laboratory Corporation of America, LabCorp
Classification: Pathogenic for Oculocutaneous albinism type 4. Last evaluated: 2024-05-15. Review status: criteria provided, single submitter. Criteria: LabCorp Variant Classification Summary - May 2015. Collection method: clinical testing. Allele origin: germline.
Comment: Variant summary: SLC45A2 c.1456G>A (p.Ala486Thr) results in a non-conservative amino acid change in the encoded protein sequence. Five of five in-silico tools predict a damaging effect of the variant on protein function. The variant was absent in 251166 control chromosomes. c.1456G>A has been reported in the literature in multiple individuals affected with albinism (example, Wei_2022). These data indicate that the variant is very likely to be associated with disease. To our knowledge, no experimental evidence demonstrating an impact on protein function has been reported. The following publication has been ascertained in the context of this evaluation (PMID: 34838614). No submitters have cited clinical-significance assessments for this variant to ClinVar. Based on the evidence outlined above, the variant was classified as pathogenic.

Juno Genomics, Hangzhou Juno Genomics, Inc
Classification: Likely pathogenic for Oculocutaneous albinism type 4; SKIN/HAIR/EYE PIGMENTATION 5, BLACK/NONBLACK HAIR. Review status: criteria provided, single submitter. Criteria: ACMG Guidelines, 2015. Collection method: clinical testing. Allele origin: germline. Affected: yes.
Comment: Absent from controls (or at extremely low frequency if recessive) in Genome Aggregation Database, Exome Sequencing Project, 1000 Genomes Project, or Exome Aggregation Consortium.;Multiple lines of computational evidence support a deleterious effect on the gene or gene product (conservation, evolutionary, splicing impact, etc).;Novel missense change at an amino acid residue where a different missense change determined to be pathogenic has been seen before.;For recessive disorders, detected in trans with a pathogenic variant.;Patient's phenotype or family history is highly specific for a disease with a single genetic etiology.

PreventionGenetics, part of Exact Sciences
Classification: Likely pathogenic for SLC45A2-related condition. Last evaluated: 2024-08-19. Review status: no assertion criteria provided. Collection method: clinical testing. Allele origin: germline. Not counted in ClinVar's aggregate classification.
Comment: The SLC45A2 c.1456G>A variant is predicted to result in the amino acid substitution p.Ala486Thr. This variant has been reported in multiple individuals with oculocutaneous albinism (Xue et al. 2016. PubMed ID: 27706749; Chuan et al. 2021. PubMed ID: 32552135 Wei. 2022. PubMed ID: 34838614). This variant has not been reported in a large population database, indicating this variant is rare. Given the evidence, we interpret this variant as likely pathogenic.

Literature cited by the submitters: PubMed 34838614 (cited by Women's Health and Genetics/Laboratory Corporation of America, LabCorp).